The following is an entry in ClinVar:

NM_003919.3(SGCE):c.1024C>T (p.Arg342Ter)

Genes: CASD1 (CAS1 domain sialic acid O acetyltransferase 1; plus strand), SGCE (sarcoglycan epsilon; minus strand). Cytogenetic location: 7q21.3.
Variant type: single nucleotide variant.
Coding change: c.1024C>T on transcript NM_003919.3 (MANE Select); coding-DNA position 1024, C replaced by T.
Protein change: p.Arg342Ter; replaces arginine 342 with a stop codon.
Molecular consequence: nonsense.
Genome position (GRCh38, 1-based): chr7:94,600,659, G>A on the plus strand (C>T on the coding strand, the complement: SGCE is on the minus strand). VCF-style: chr7-94600659-G-A. GRCh37 (hg19) VCF-style: chr7-94229971-G-A.
Other names: c.1024C>T, p.Arg342Ter (NM_001099400.2, NM_001099401.2, NM_001346717.2); c.901C>T, p.Arg301Ter (NM_001301139.2, NM_001362809.2); c.1132C>T, p.Arg378Ter (NM_001346713.2, NM_001346715.2); c.937C>T, p.Arg313Ter (NM_001346719.2, NM_001362807.2); c.751C>T, p.Arg251Ter (NM_001346720.2, NM_001362808.2); short protein forms R301*, R313*, R342*, R251*, R378*.
Identifiers: ClinVar variation 3021840 (VCV003021840.4), dbSNP rs1376336723, ClinGen allele CA368230413.

ClinVar aggregate classification (germline): Pathogenic/Likely pathogenic. Review status: criteria provided, multiple submitters, no conflicts (2 of 4 stars). 2 submissions from 2 submitters: Pathogenic (1); Likely pathogenic (1). Last evaluated 2024-05-14.

Conditions:
Myoclonic dystonia 11 (DYT11). Also called: Myoclonic dystonia; Dystonia 11; Dystonia, alcohol responsive; Hereditary essential myoclonus; SGCE Myoclonus-Dystonia; Myoclonus-Dystonia. Identifiers: Orphanet 36899, MedGen C1834570, MONDO:0008044, OMIM 159900.

Allele frequency attached by ClinVar (database versions not stated): TOPMed below 0.00001; gnomAD exomes 0.00001.
gnomAD v4.1: 8 of 1,612,624 alleles (0.0005%); highest among the groups gnomAD compares: South Asian, 0.0011%; no homozygotes.

Submissions (2):

Laboratorio de Genetica e Diagnostico Molecular, Hospital Israelita Albert Einstein
Classification: Likely pathogenic for Myoclonic dystonia 11. Last evaluated: 2024-05-14. Review status: criteria provided, single submitter. Criteria: ACMG Guidelines, 2015. Collection method: clinical testing. Allele origin: germline. Affected: yes.
Comment: ACMG classification criteria: PVS1 very strong, PM2 supporting

Labcorp Genetics (formerly Invitae), Labcorp
Classification: Pathogenic for Myoclonic dystonia 11. Last evaluated: 2023-11-11. Review status: criteria provided, single submitter. Criteria: Invitae Variant Classification Sherloc (09022015). Collection method: clinical testing. Allele origin: germline.
Comment: This sequence change creates a premature translational stop signal (p.Arg342*) in the SGCE gene. It is expected to result in an absent or disrupted protein product. Loss-of-function variants in SGCE are known to be pathogenic (PMID: 12821748, 15389977, 17853490, 24297365). This variant is present in population databases (no rsID available, gnomAD no frequency). This variant has not been reported in the literature in individuals affected with SGCE-related conditions. For these reasons, this variant has been classified as Pathogenic.

Literature cited by the submitters: PubMed 12821748 (cited by Labcorp Genetics (formerly Invitae), Labcorp); PubMed 15389977 (cited by Labcorp Genetics (formerly Invitae), Labcorp); PubMed 17853490 (cited by Labcorp Genetics (formerly Invitae), Labcorp); PubMed 24297365 (cited by Labcorp Genetics (formerly Invitae), Labcorp).